The following is an entry in ClinVar:

NM_001330260.2(SCN8A):c.4438T>C (p.Phe1480Leu)

Gene: SCN8A (sodium voltage-gated channel alpha subunit 8; plus strand). Cytogenetic location: 12q13.13.
Variant type: single nucleotide variant.
Coding change: c.4438T>C on transcript NM_001330260.2 (MANE Select); coding-DNA position 4438, T replaced by C.
Protein change: p.Phe1480Leu; replaces phenylalanine 1480 with leucine.
Molecular consequence: missense variant.
Genome position (GRCh38, 1-based): chr12:51,790,416, T>C. VCF-style: chr12-51790416-T-C. GRCh37 (hg19) VCF-style: chr12-52184200-T-C.
Other names: p.F1480L:TTC>CTC; c.4315T>C, p.Phe1439Leu (NM_001177984.3, NM_001369788.1); c.4438T>C, p.Phe1480Leu (NM_014191.4); short protein forms F1480L, F1439L.
Identifiers: ClinVar variation 207121 (VCV000207121.2), dbSNP rs796053218, ClinGen allele CA318280.

ClinVar aggregate classification (germline): Uncertain significance (1 of 4 stars; one submission).

Submission:

GeneDx
Classification: Uncertain significance. Last evaluated: 2014-06-17. Review status: criteria provided, single submitter. Criteria: GeneDx Variant Classification (06012015). Collection method: clinical testing. Allele origin: germline. Affected: yes.
Comment: p.Phe1480Leu (TTC>CTC): c.4438 T>C in exon 25 of the SCN8A gene (NM_014191.3). A variant of unknown significance has been identified in the SCN8A gene. The F1480L variant has not been published as a mutation, nor has it been reported as a benign polymorphism to our knowledge. It was not observed in approximately 6,300 individuals of European and African American ancestry in the NHLBI Exome Sequencing Project, indicating it is not a common benign variant in these populations. This substitution alters a conserved position in the cytoplasmic loop between the third and fourth homologous domains of the SCN8A protein. In silico analysis predicts this variant is probably damaging to the protein structure/function. However, the F1480L variant is a conservative amino acid substitution, which is not likely to impact secondary protein structure as these residues share similar properties, and missense mutations in nearby residues have not been reported in association with SCN8A-related disorders. Therefore, based on the currently available information, it is unclear whether this variant is a pathogenic mutation or a rare benign variant. The variant is found in EPILEPSY panel(s).